The following is an entry in ClinVar:

NM_005219.5(DIAPH1):c.3425G>A (p.Arg1142Gln)

Gene: DIAPH1 (diaphanous related formin 1; minus strand). Cytogenetic location: 5q31.3.
Variant type: single nucleotide variant.
Coding change: c.3425G>A on transcript NM_005219.5 (MANE Select); coding-DNA position 3425, G replaced by A.
Protein change: p.Arg1142Gln; replaces arginine 1142 with glutamine.
Molecular consequence: missense variant.
Genome position (GRCh38, 1-based): chr5:141,526,310, C>T on the plus strand (G>A on the coding strand, the complement: DIAPH1 is on the minus strand). VCF-style: chr5-141526310-C-T. GRCh37 (hg19) VCF-style: chr5-140905877-C-T.
Other names: c.3398G>A, p.Arg1133Gln (NM_001079812.3); c.3425G>A, p.Arg1142Gln (NM_001314007.2); c.3425G>A (NM_005219.4); short protein forms R1142Q, R1133Q.
Identifiers: ClinVar variation 1042130 (VCV001042130.13), dbSNP rs200419320, ClinGen allele CA128423914.

ClinVar aggregate classification (germline): Uncertain significance. Review status: criteria provided, multiple submitters, no conflicts (2 of 4 stars). 3 submissions from 3 submitters: Uncertain significance (3). Last evaluated 2026-01-07.

Conditions:
Inborn genetic diseases. Identifiers: MedGen C0950123, MeSH D030342.
Autosomal dominant nonsyndromic hearing loss 1. Also called: DEAFNESS, AUTOSOMAL DOMINANT 1, WITH OR WITHOUT THROMBOCYTOPENIA; KONIGSMARK SYNDROME. Identifiers: Orphanet 90635, MedGen C1852282, MONDO:0007424, OMIM 124900.
Progressive microcephaly-seizures-cortical blindness-developmental delay syndrome. Also called: Seizures, cortical blindness, and microcephaly syndrome. Identifiers: Orphanet 477814, MedGen C5567650, MONDO:0014714, OMIM 616632.

Allele frequency attached by ClinVar (database versions not stated): gnomAD exomes below 0.00001; gnomAD 0.00001; TOPMed 0.00001.
gnomAD v4.1: 4 of 1,613,990 alleles (0.00025%); highest among the groups gnomAD compares: African/African-American, 0.0027%; no homozygotes.

Submissions (3):

Labcorp Genetics (formerly Invitae), Labcorp
Classification: Uncertain significance for Progressive microcephaly-seizures-cortical blindness-developmental delay syndrome; Autosomal dominant nonsyndromic hearing loss 1. Last evaluated: 2026-01-07. Review status: criteria provided, single submitter. Criteria: Invitae Variant Classification Sherloc (09022015). Collection method: clinical testing. Allele origin: germline.
Comment: This sequence change replaces arginine, which is basic and polar, with glutamine, which is neutral and polar, at codon 1142 of the DIAPH1 protein (p.Arg1142Gln). This variant is present in population databases (rs200419320, gnomAD 0.005%). This variant has not been reported in the literature in individuals affected with DIAPH1-related conditions. ClinVar contains an entry for this variant (Variation ID: 1042130). An algorithm developed to predict the effect of missense changes on protein structure and function (PolyPhen-2) suggests that this variant is likely to be disruptive. In summary, the available evidence is currently insufficient to determine the role of this variant in disease. Therefore, it has been classified as a Variant of Uncertain Significance.

Ambry Genetics
Classification: Uncertain significance for Inborn genetic diseases. Last evaluated: 2025-08-05. Review status: criteria provided, single submitter. Criteria: Ambry Variant Classification Scheme 2023. Collection method: clinical testing. Allele origin: germline.

GeneDx
Classification: Uncertain significance. Last evaluated: 2022-12-28. Review status: criteria provided, single submitter. Criteria: GeneDx Variant Classification Process June 2021. Collection method: clinical testing. Allele origin: germline. Affected: yes.
Comment: In silico analysis supports that this missense variant has a deleterious effect on protein structure/function; Has not been previously published as pathogenic or benign to our knowledge